The following is an entry in ClinVar:

ClinVar aggregate classification (germline): Uncertain significance (1 of 4 stars; one submission).

Conditions:
Parkinsonian-pyramidal syndrome. Also called: PARKINSON DISEASE 15, AUTOSOMAL RECESSIVE; PALLIDOPYRAMIDAL SYNDROME; PARKINSON DISEASE 15, AUTOSOMAL RECESSIVE EARLY-ONSET. Identifiers: Orphanet 171695, MedGen C1850100, MONDO:0009830, OMIM 260300.

Allele frequency attached by ClinVar (database versions not stated): ExAC 0.00001; gnomAD exomes 0.00001; TOPMed 0.00001.

Submission:

Labcorp Genetics (formerly Invitae), Labcorp
Classification: Uncertain significance for Parkinsonian-pyramidal syndrome. Last evaluated: 2022-03-13. Review status: criteria provided, single submitter. Criteria: Invitae Variant Classification Sherloc (09022015). Collection method: clinical testing. Allele origin: germline.
Comment: This variant has not been reported in the literature in individuals affected with FBXO7-related conditions. This variant is present in population databases (rs753092182, gnomAD 0.002%). This sequence change replaces methionine, which is neutral and non-polar, with isoleucine, which is neutral and non-polar, at codon 522 of the FBXO7 protein (p.Met522Ile). Algorithms developed to predict the effect of missense changes on protein structure and function output the following: SIFT: "Tolerated"; PolyPhen-2: "Benign"; Align-GVGD: "Class C0". The isoleucine amino acid residue is found in multiple mammalian species, which suggests that this missense change does not adversely affect protein function. In summary, the available evidence is currently insufficient to determine the role of this variant in disease. Therefore, it has been classified as a Variant of Uncertain Significance.

NM_012179.4(FBXO7):c.1566G>C (p.Met522Ile)

Gene: FBXO7 (F-box protein 7; plus strand). Cytogenetic location: 22q12.3.
Variant type: single nucleotide variant.
Coding change: c.1566G>C on transcript NM_012179.4 (MANE Select); coding-DNA position 1566, G replaced by C.
Protein change: p.Met522Ile; replaces methionine 522 with isoleucine.
Molecular consequence: missense variant.
Genome position (GRCh38, 1-based): chr22:32,498,527, G>C. VCF-style: chr22-32498527-G-C. GRCh37 (hg19) VCF-style: chr22-32894514-G-C.
Other names: c.1329G>C, p.Met443Ile (NM_001033024.2); c.1224G>C, p.Met408Ile (NM_001257990.2); short protein forms M522I, M408I, M443I.
Identifiers: ClinVar variation 2046310 (VCV002046310.4), dbSNP rs753092182, ClinGen allele CA10201783.